The following is an entry in ClinVar:

ClinVar aggregate classification (germline): Pathogenic. Review status: criteria provided, single submitter (1 of 4 stars). 2 submissions from 2 submitters: Pathogenic (1). 1 of the submissions does not count toward it. Last evaluated 2022-10-18.

Conditions:
Retinal dystrophy. Also called: Inherited retinal dystrophy. Identifiers: Orphanet 71862, MedGen C0854723, MeSH D058499, MONDO:0019118, HP:0000556.
Retinitis pigmentosa 11 (RP11). Identifiers: Orphanet 791, MedGen C1838601, MONDO:0010828, OMIM 600138.

Submissions (2):

MVZ Medizinische Genetik Mainz
Classification: Pathogenic for Retinitis pigmentosa 11. Last evaluated: 2022-10-18. Review status: criteria provided, single submitter. Criteria: UK Practice Guidelines For Variant Classification V4 01 2020. Collection method: clinical testing. Allele origin: germline. Inheritance: Autosomal dominant inheritance. Affected: yes. Observed: 1 variant allele.
Comment: ACMG Criteria: PVS1, PM2_SUP, PP4 (ACMG Version 4)

Institute of Human Genetics, Univ. Regensburg, Univ. Regensburg
Classification: Pathogenic for Retinal dystrophy. Last evaluated: 2014-01-01. Review status: no assertion criteria provided. Criteria: ACMG Guidelines, 2015. Collection method: clinical testing. Allele origin: germline. Affected: yes. Not counted in ClinVar's aggregate classification.

NM_015629.4(PRPF31):c.845_855+1del

Gene: PRPF31 (pre-mRNA processing factor 31; plus strand). Cytogenetic location: 19q13.42.
Variant type: Deletion.
Coding change: c.845_855+1del on transcript NM_015629.4 (MANE Select); coding-DNA position 845 through the canonical splice donor site of the intron after coding-DNA position 855, 12 bases deleted (CCCTGCCACCGG).
Molecular consequence: splice donor variant.
Genome position (GRCh38, 1-based): chr19:54,124,646-54,124,657, CCCTGCCACCGG deleted. VCF-style (leftmost placement, unchanged base first): chr19-54124645-TCCCTGCCACCGG-T. GRCh37 (hg19) VCF-style: chr19-54628024-TCCCTGCCACCGG-T.
Identifiers: ClinVar variation 3236217 (VCV003236217.2), dbSNP rs2516158865, ClinGen allele CA2825002821.
Genomic context (GRCh38, chr19:54,124,645, plus strand): 5'-TTCTCGTCTACCTCAGTGCTGCCCCACACCGGCTACATCTACCACAGTGACATCGTGCAG[TCCCTGCCACCGG>T]TGAGCCCACTGCGTCATGGCCCCTCCCCCGGCCCCCCTGGAGCCTTCCGCTGTGCCCAGA-3'